The following is an entry in ClinVar:

NM_025144.4(ALPK1):c.1350G>A (p.Gly450=)

Gene: ALPK1 (alpha kinase 1; plus strand). Cytogenetic location: 4q25.
Variant type: single nucleotide variant.
Coding change: c.1350G>A on transcript NM_025144.4 (MANE Select); coding-DNA position 1350, G replaced by A.
Protein change: p.Gly450=; no amino-acid change (glycine 450 retained).
Molecular consequence: synonymous variant.
Genome position (GRCh38, 1-based): chr4:112,430,897, G>A. VCF-style: chr4-112430897-G-A. GRCh37 (hg19) VCF-style: chr4-113352053-G-A.
Other names: c.1350G>A (NM_001102406.1); c.1350G>A, p.Gly450= (NM_001102406.2); c.1116G>A, p.Gly372= (NM_001253884.2).
Identifiers: ClinVar variation 2065975 (VCV002065975.5), dbSNP rs141963151, ClinGen allele CA3046713.

ClinVar aggregate classification (germline): Benign/Likely benign. Review status: criteria provided, multiple submitters, no conflicts (2 of 4 stars). 2 submissions from 2 submitters: Benign (1); Likely benign (1). Last evaluated 2026-04-07.

Conditions:
ALPK1-related disorder. Also called: ALPK1-related condition.

Allele frequency attached by ClinVar (database versions not stated): gnomAD exomes 0.00005; ExAC 0.00016; 1000 Genomes Project 30x 0.00031; ESP Exome Variant Server 0.00038; 1000 Genomes Project 0.00040; TOPMed 0.00061; gnomAD 0.00069.
gnomAD v4.1: 188 of 1,614,104 alleles (0.012%); highest among the groups gnomAD compares: African/African-American, 0.21%; 1 homozygote.

Submissions (2):

PreventionGenetics, part of Exact Sciences
Classification: Likely benign for ALPK1-related condition. Last evaluated: 2026-04-07. Review status: criteria provided, single submitter. Criteria: ACMG Guidelines, 2015. Collection method: clinical testing. Allele origin: germline.
Comment: This variant is classified as likely benign based on ACMG/AMP sequence variant interpretation guidelines (Richards et al. 2015 PMID: 25741868, with internal and published modifications).

Labcorp Genetics (formerly Invitae), Labcorp
Classification: Benign. Last evaluated: 2025-12-30. Review status: criteria provided, single submitter. Criteria: Invitae Variant Classification Sherloc (09022015). Collection method: clinical testing. Allele origin: germline.